The following is an entry in ClinVar:

NM_001032386.2(SUOX):c.119G>A (p.Arg40His)

Gene: SUOX (sulfite oxidase; plus strand). Cytogenetic location: 12q13.2.
Variant type: single nucleotide variant.
Coding change: c.119G>A on transcript NM_001032386.2 (MANE Select); coding-DNA position 119, G replaced by A.
Protein change: p.Arg40His; replaces arginine 40 with histidine.
Molecular consequence: missense variant.
Genome position (GRCh38, 1-based): chr12:56,002,611, G>A. VCF-style: chr12-56002611-G-A. GRCh37 (hg19) VCF-style: chr12-56396395-G-A.
Other names: c.119G>A, p.Arg40His (NM_000456.3, NM_001032387.2); short protein forms R40H.
Identifiers: ClinVar variation 645240 (VCV000645240.17), dbSNP rs117778870, ClinGen allele CA6620883.

ClinVar aggregate classification (germline): Benign/Likely benign. Review status: criteria provided, multiple submitters, no conflicts (2 of 4 stars). 4 submissions from 4 submitters: Benign (1); Likely benign (2). 1 of the submissions does not count toward it. Last evaluated 2026-02-02.

Conditions:
SUOX-related disorder. Also called: SUOX-related condition.
Sulfite oxidase deficiency. Also called: Isolated sulfite oxidase deficiency. Identifiers: Orphanet 833, Orphanet 99731, MedGen C0268624, MONDO:0010089, OMIM 272300, HP:0003643.

Allele frequency attached by ClinVar (database versions not stated): ESP Exome Variant Server 0.00031; gnomAD exomes 0.00036 and 0.00039; gnomAD 0.00062 and 0.00049; 1000 Genomes Project 30x 0.00234; 1000 Genomes Project 0.00300; ExAC 0.00049; TOPMed 0.00041.
gnomAD v4.1: 656 of 1,613,950 alleles (0.041%); highest among the groups gnomAD compares: East Asian, 0.86%; 3 homozygotes.

Submissions (4):

Labcorp Genetics (formerly Invitae), Labcorp
Classification: Likely benign for Sulfite oxidase deficiency. Last evaluated: 2026-02-02. Review status: criteria provided, single submitter. Criteria: Invitae Variant Classification Sherloc (09022015). Collection method: clinical testing. Allele origin: germline.

Blueprint Genetics
Classification: Likely benign. Last evaluated: 2024-11-26. Review status: criteria provided, single submitter. Criteria: ACMG Guidelines, 2015. Collection method: clinical testing. Allele origin: germline.

Illumina Laboratory Services, Illumina
Classification: Benign for Sulfite oxidase deficiency. Last evaluated: 2017-04-27. Review status: criteria provided, single submitter. Criteria: ICSL Variant Classification Criteria 13 December 2019. Collection method: clinical testing. Allele origin: germline.
Comment: This variant was observed as part of a predisposition screen in an ostensibly healthy population. A literature search was performed for the gene, cDNA change, and amino acid change (where applicable). No publications were found based on this search. Allele frequency data from public databases was too high to be consistent with this variant causing disease. Therefore, this variant is classified as benign.

PreventionGenetics, part of Exact Sciences
Classification: Likely benign for SUOX-related condition. Last evaluated: 2022-11-14. Review status: no assertion criteria provided. Collection method: clinical testing. Allele origin: germline. Not counted in ClinVar's aggregate classification.
Comment: This variant is classified as likely benign based on ACMG/AMP sequence variant interpretation guidelines (Richards et al. 2015 PMID: 25741868, with internal and published modifications).